The following is an entry in ClinVar:

ClinVar aggregate classification (germline): Uncertain significance. Review status: criteria provided, multiple submitters, no conflicts (2 of 4 stars). 2 submissions from 2 submitters: Uncertain significance (2). Last evaluated 2025-01-06.

Conditions:
Acute myeloid leukemia (AML). Also called: Acute myeloid leukemia, adult; AML adult; Acute non-lymphocytic leukemia; Acute granulocytic leukemia; Leukemia, acute myeloid, somatic; Leukemia, acute myelogenous, somatic. Identifiers: Orphanet 519, MedGen C0023467, MeSH D015470, MONDO:0018874, OMIM 601626, HP:0004808. Disease mechanism: Constitutively activated FLT3.
Inborn genetic diseases. Identifiers: MedGen C0950123, MeSH D030342.

Submissions (2):

Ambry Genetics
Classification: Uncertain significance for Inborn genetic diseases. Last evaluated: 2025-01-06. Review status: criteria provided, single submitter. Criteria: Ambry Variant Classification Scheme 2023. Collection method: clinical testing. Allele origin: germline.
Comment: The p.P194T variant (also known as c.580C>A), located in coding exon 1 of the CEBPA gene, results from a C to A substitution at nucleotide position 580. The proline at codon 194 is replaced by threonine, an amino acid with highly similar properties. This amino acid position is conserved. In addition, this alteration is predicted to be tolerated by in silico analysis. Based on the available evidence, the clinical significance of this variant remains unclear.

Labcorp Genetics (formerly Invitae), Labcorp
Classification: Uncertain significance for Acute myeloid leukemia. Last evaluated: 2023-08-22. Review status: criteria provided, single submitter. Criteria: Invitae Variant Classification Sherloc (09022015). Collection method: clinical testing. Allele origin: germline.
Comment: Advanced modeling of protein sequence and biophysical properties (such as structural, functional, and spatial information, amino acid conservation, physicochemical variation, residue mobility, and thermodynamic stability) performed at Invitae indicates that this missense variant is not expected to disrupt CEBPA protein function. This variant has not been reported in the literature in individuals affected with CEBPA-related conditions. This variant is not present in population databases (gnomAD no frequency). This sequence change replaces proline, which is neutral and non-polar, with threonine, which is neutral and polar, at codon 194 of the CEBPA protein (p.Pro194Thr). In summary, the available evidence is currently insufficient to determine the role of this variant in disease. Therefore, it has been classified as a Variant of Uncertain Significance.

NM_004364.5(CEBPA):c.580C>A (p.Pro194Thr)

Gene: CEBPA (CCAAT enhancer binding protein alpha; minus strand). Cytogenetic location: 19q13.11.
Variant type: single nucleotide variant.
Coding change: c.580C>A on transcript NM_004364.5 (MANE Select); coding-DNA position 580, C replaced by A.
Protein change: p.Pro194Thr; replaces proline 194 with threonine.
Molecular consequence: missense variant.
Genome position (GRCh38, 1-based): chr19:33,301,835, G>T on the plus strand (C>A on the coding strand, the complement: CEBPA is on the minus strand). VCF-style: chr19-33301835-G-T. GRCh37 (hg19) VCF-style: chr19-33792741-G-T.
Other names: c.223C>A, p.Pro75Thr (NM_001285829.2); c.685C>A, p.Pro229Thr (NM_001287424.2); c.538C>A, p.Pro180Thr (NM_001287435.2); short protein forms P180T, P194T, P229T, P75T.
Identifiers: ClinVar variation 2754321 (VCV002754321.4), dbSNP rs1967177805, ClinGen allele CA405274650.